The following is an entry in ClinVar:

NM_198999.3(SLC26A5):c.2079T>C (p.Phe693=)

Gene: SLC26A5 (solute carrier family 26 member 5; minus strand). Cytogenetic location: 7q22.1.
Variant type: single nucleotide variant.
Coding change: c.2079T>C on transcript NM_198999.3 (MANE Select); coding-DNA position 2079, T replaced by C.
Protein change: p.Phe693=; no amino-acid change (phenylalanine 693 retained).
Molecular consequence: synonymous variant. On other transcripts: non-coding transcript variant (4), intron variant (4).
Genome position (GRCh38, 1-based): chr7:103,374,555, A>G on the plus strand (T>C on the coding strand, the complement: SLC26A5 is on the minus strand). VCF-style: chr7-103374555-A-G. GRCh37 (hg19) VCF-style: chr7-103015002-A-G.
Other names: c.1983T>C, p.Phe661= (NM_001167962.2); c.972-21629T>C (NM_206885.3); c.1945+2253T>C (NM_001321787.2); c.1514+14453T>C (NM_206884.3); c.2041+2253T>C (NM_206883.3).
Identifiers: ClinVar variation 1198149 (VCV001198149.13), dbSNP rs762004358, ClinGen allele CA4419277.
Genomic context (GRCh38, chr7:103,374,555, plus strand): 5'-GCTGCCTAAAACTGCATCATGAATGCTGTGGAACAGCAGCTCCCATAGGGCAGGATTTTC[A>G]AAAAATCTATTCCGAGTGAGGTCATTCACAACTTGTGCTATTAAAAGAAGAAAAGAAAAT-3'
Protein context (NP_945350.1, residues 683-703): VVNDLTRNRF[Phe693=]ENPALWELLF

ClinVar aggregate classification (germline): Conflicting classifications of pathogenicity. Review status: criteria provided, conflicting classifications (1 of 4 stars). 3 submissions from 3 submitters: Uncertain significance (1); Likely benign (2). Last evaluated 2025-10-10.

Allele frequency attached by ClinVar (database versions not stated): ExAC 0.00003; gnomAD exomes 0.00004 and 0.00007; gnomAD 0.00005; TOPMed 0.00005.
gnomAD v4.1: 107 of 1,614,102 alleles (0.0066%); highest among the groups gnomAD compares: Middle Eastern, 0.22%; no homozygotes.

Submissions (3):

GeneDx
Classification: Uncertain significance. Last evaluated: 2025-10-10. Review status: criteria provided, single submitter. Criteria: GeneDx Variant Classification Process June 2021. Collection method: clinical testing. Allele origin: germline. Affected: yes.
Comment: Variants in candidate genes are classified as variants of uncertain significance in accordance with ACMG guidelines (PMID: 25741868); Has not been previously published as pathogenic or benign to our knowledge; In silico analysis suggests that this variant does not alter splicing

Blueprint Genetics
Classification: Likely benign. Last evaluated: 2024-09-04. Review status: criteria provided, single submitter. Criteria: ACMG Guidelines, 2015. Collection method: clinical testing. Allele origin: germline.

Labcorp Genetics (formerly Invitae), Labcorp
Classification: Likely benign. Last evaluated: 2021-03-24. Review status: criteria provided, single submitter. Criteria: Invitae Variant Classification Sherloc (09022015). Collection method: clinical testing. Allele origin: germline.